The following is an entry in ClinVar:

ClinVar aggregate classification (germline): Uncertain significance (1 of 4 stars; one submission).

Submission:

GeneDx
Classification: Uncertain significance. Last evaluated: 2023-06-30. Review status: criteria provided, single submitter. Criteria: GeneDx Variant Classification Process June 2021. Collection method: clinical testing. Allele origin: germline. Affected: yes.
Comment: Not observed at significant frequency in large population cohorts (gnomAD); In silico analysis supports that this missense variant does not alter protein structure/function; Has not been previously published as pathogenic or benign to our knowledge

NM_052867.4(NALCN):c.2149A>G (p.Arg717Gly)

Gene: NALCN (sodium leak channel, non-selective; minus strand). Cytogenetic location: 13q33.1.
Variant type: single nucleotide variant.
Coding change: c.2149A>G on transcript NM_052867.4 (MANE Select); coding-DNA position 2149, A replaced by G.
Protein change: p.Arg717Gly; replaces arginine 717 with glycine.
Molecular consequence: missense variant.
Genome position (GRCh38, 1-based): chr13:101,124,651, T>C on the plus strand (A>G on the coding strand, the complement: NALCN is on the minus strand). VCF-style: chr13-101124651-T-C. GRCh37 (hg19) VCF-style: chr13-101777002-T-C.
Other names: c.2149A>G, p.Arg717Gly (NM_001350748.2, NM_001350749.2); c.2062A>G, p.Arg688Gly (NM_001350750.2, NM_001350751.2); short protein forms R688G, R717G.
Identifiers: ClinVar variation 3360734 (VCV003360734.1).